The following is an entry in ClinVar:

NM_004380.3(CREBBP):c.6539C>G (p.Pro2180Arg)

Gene: CREBBP (CREB binding lysine acetyltransferase; minus strand). Cytogenetic location: 16p13.3.
Variant type: single nucleotide variant.
Coding change: c.6539C>G on transcript NM_004380.3 (MANE Select); coding-DNA position 6539, C replaced by G.
Protein change: p.Pro2180Arg; replaces proline 2180 with arginine.
Molecular consequence: missense variant.
Genome position (GRCh38, 1-based): chr16:3,728,508, G>C on the plus strand (C>G on the coding strand, the complement: CREBBP is on the minus strand). VCF-style: chr16-3728508-G-C. GRCh37 (hg19) VCF-style: chr16-3778509-G-C.
Other names: c.6425C>G, p.Pro2142Arg (NM_001079846.1); short protein forms P2142R, P2180R.
Identifiers: ClinVar variation 3637266 (VCV003637266.4).

ClinVar aggregate classification (germline): Uncertain significance. Review status: criteria provided, multiple submitters, no conflicts (2 of 4 stars). 2 submissions from 2 submitters: Uncertain significance (2). Last evaluated 2025-01-20.

Conditions:
Rubinstein-Taybi syndrome (RSTS). Identifiers: Orphanet 783, MedGen C0035934, MONDO:0019188.

Submissions (2):

Women's Health and Genetics/Laboratory Corporation of America, LabCorp
Classification: Uncertain significance. Last evaluated: 2025-01-20. Review status: criteria provided, single submitter. Criteria: LabCorp Variant Classification Summary - May 2015. Collection method: clinical testing. Allele origin: germline.
Comment: Variant summary: CREBBP c.6539C>G (p.Pro2180Arg) results in a non-conservative amino acid change in the encoded protein sequence. Three of five in-silico tools predict a benign effect of the variant on protein function. The variant was absent in 246986 control chromosomes. The available data on variant occurrences in the general population are insufficient to allow any conclusion about variant significance. To our knowledge, no occurrence of c.6539C>G in individuals affected with Rubinstein-Taybi Syndrome and no experimental evidence demonstrating its impact on protein function have been reported. No submitters have cited clinical-significance assessments for this variant to ClinVar. Based on the evidence outlined above, the variant was classified as uncertain significance.

Labcorp Genetics (formerly Invitae), Labcorp
Classification: Uncertain significance for Rubinstein-Taybi syndrome. Last evaluated: 2024-10-03. Review status: criteria provided, single submitter. Criteria: Invitae Variant Classification Sherloc (09022015). Collection method: clinical testing. Allele origin: germline.
Comment: This sequence change replaces proline, which is neutral and non-polar, with arginine, which is basic and polar, at codon 2180 of the CREBBP protein (p.Pro2180Arg). This variant is not present in population databases (gnomAD no frequency). This variant has not been reported in the literature in individuals affected with CREBBP-related conditions. Invitae Evidence Modeling of protein sequence and biophysical properties (such as structural, functional, and spatial information, amino acid conservation, physicochemical variation, residue mobility, and thermodynamic stability) indicates that this missense variant is not expected to disrupt CREBBP protein function with a negative predictive value of 95%. In summary, the available evidence is currently insufficient to determine the role of this variant in disease. Therefore, it has been classified as a Variant of Uncertain Significance.